The following is an entry in ClinVar:

NM_005732.4(RAD50):c.3902A>G (p.Lys1301Arg)

Genes: RAD50 (RAD50 double strand break repair protein; plus strand), TH2LCRR (T helper type 2 locus control region associated RNA; minus strand). Cytogenetic location: 5q31.1.
Variant type: single nucleotide variant.
Coding change: c.3902A>G on transcript NM_005732.4 (MANE Select); coding-DNA position 3902, A replaced by G.
Protein change: p.Lys1301Arg; replaces lysine 1301 with arginine.
Molecular consequence: missense variant.
Genome position (GRCh38, 1-based): chr5:132,642,327, A>G. VCF-style: chr5-132642327-A-G. GRCh37 (hg19) VCF-style: chr5-131978019-A-G.
Other names: short protein forms K1301R.
Identifiers: ClinVar variation 142902 (VCV000142902.27), dbSNP rs201766077, ClinGen allele CA333287.

ClinVar aggregate classification (germline): Conflicting classifications of pathogenicity. Review status: criteria provided, conflicting classifications (1 of 4 stars). 6 submissions from 6 submitters: Uncertain significance (2); Benign (3); Likely benign (1). Last evaluated 2026-02-01.

Conditions:
Hereditary cancer-predisposing syndrome. Also called: Hereditary Cancer Syndrome; Neoplastic Syndromes, Hereditary; Hereditary neoplastic syndrome; Tumor predisposition. Identifiers: Orphanet 140162, MedGen C0027672, MeSH D009386, MONDO:0015356.
Ovarian cancer. Also called: OVARIAN CANCER, SOMATIC. Identifiers: Orphanet 213500, MedGen C1140680, MONDO:0008170, OMIM 167000.
Nijmegen breakage syndrome-like disorder (NBSLD). Also called: MICROCEPHALY AND SPONTANEOUS CHROMOSOME INSTABILITY WITHOUT IMMUNODEFICIENCY; NBS-LIKE DISORDER; RAD50 DEFICIENCY. Identifiers: Orphanet 240760, MedGen C2751318, MONDO:0013118, OMIM 613078.

Allele frequency attached by ClinVar (database versions not stated): gnomAD 0.00001 and 0.00003; gnomAD exomes 0.00001 and 0.00004; ExAC 0.00002; TOPMed 0.00007; 1000 Genomes Project 30x 0.00016; 1000 Genomes Project 0.00020.
gnomAD v4.1: 32 of 1,614,120 alleles (0.002%); highest among the groups gnomAD compares: East Asian, 0.04%; no homozygotes.

Submissions (6):

Labcorp Genetics (formerly Invitae), Labcorp
Classification: Benign for Hereditary cancer-predisposing syndrome. Last evaluated: 2026-02-01. Review status: criteria provided, single submitter. Criteria: Invitae Variant Classification Sherloc (09022015). Collection method: clinical testing. Allele origin: germline.

Women's Health and Genetics/Laboratory Corporation of America, LabCorp
Classification: Benign. Last evaluated: 2025-09-04. Review status: criteria provided, single submitter. Criteria: LabCorp Variant Classification Summary - May 2015. Collection method: clinical testing. Allele origin: germline.
Comment: Variant summary: RAD50 c.3902A>G (p.Lys1301Arg) results in a conservative amino acid change in the encoded protein sequence. Algorithms developed to predict the effect of missense changes on protein structure and function are either unavailable or do not agree on the potential impact of this missense change. The variant allele was found at a frequency of 2.4e-05 in 1609592 control chromosomes, predominantly at a frequency of 0.0004 within the East Asian subpopulation in the gnomAD database. The observed variant frequency within East Asian control individuals in the gnomAD database exceeds the estimated maximal expected allele frequency (MPAF) for disease-causing variants in RAD50. In addition, the variant was reported in certain East Asian subpopulations with an even higher allele frequency, e.g. in the Chinese, with an allele frequency of 0.0016 (ChinaMAP database [PMID: 32355288]). c.3902A>G has been observed in individuals affected with breast cancer and other tumor phenotypes, however it was also found in several healthy controls (e.g. Damiola_2014, Li_2018, Wang_2019, Dorling_2021, Yao_2022, Hernandez_2022). In addition, a co-occurrence with another pathogenic variant has been reported (BRCA2 c.6096dupT, p.Ile2033fs; Wang_2019), providing supporting evidence for a benign role. To our knowledge, no experimental evidence demonstrating an impact on protein function has been reported. The following publications have been ascertained in the context of this evaluation (PMID: 28102005, 24894818, 34716202, 29891727, 30982232, 22216297, 35186721, 26787654, 33471991). ClinVar contains an entry for this variant (Variation ID: 142902). Based on the evidence outlined above, the variant was classified as benign.

Ambry Genetics
Classification: Likely benign for Hereditary cancer-predisposing syndrome. Last evaluated: 2023-02-03. Review status: criteria provided, single submitter. Criteria: Ambry Variant Classification Scheme 2023. Collection method: clinical testing. Allele origin: germline.

Laboratory of Molecular Epidemiology of Birth Defects, West China Second University Hospital, Sichuan University
Classification: Benign for Ovarian cancer. Last evaluated: 2022-01-01. Review status: criteria provided, single submitter. Criteria: ACMG Guidelines, 2015. Collection method: clinical testing. Allele origin: germline. Affected: yes.

Sema4
Classification: Uncertain significance for Nijmegen breakage syndrome-like disorder. Last evaluated: 2021-06-23. Review status: criteria provided, single submitter. Criteria: Sema4 Curation Guidelines. Collection method: curation. Allele origin: germline.
Comment: The RAD50 c.3902A>G (p.K1301R) variant has been reported in several individuals with breast cancer (PMID: 33471991, 24894818). In one case-control study of over 60,000 women with breast cancer, this variant was enriched in cases compared to controls (OR=2.53, 95% CI=1.07 to 6.00, p=0.035). It was observed in 12/19954 chromosomes of the East Asian subpopulation, with no homozygotes, in the large and broad cohorts of the Genome Aggregation Database (PMID: 32461654). The variant has been reported in ClinVar (Variation ID 142902). In silico tools suggest the impact of the variant on protein function is inconclusive, though these predictions have not been confirmed by functional studies. The evidence is insufficient to meet ACMG/AMP criteria for classifying the variant as benign or pathogenic. Thus, the clinical significance of this variant is currently uncertain.

Revvity Omics, Revvity
Classification: Uncertain significance for Nijmegen breakage syndrome-like disorder. Last evaluated: 2020-04-03. Review status: criteria provided, single submitter. Criteria: ACMG Guidelines, 2015. Collection method: clinical testing. Allele origin: germline.

Literature cited by the submitters: PubMed 26787654 (cited by Women's Health and Genetics/Laboratory Corporation of America, LabCorp); PubMed 24894818 (cited by 3 submitters); PubMed 30982232 (cited by Women's Health and Genetics/Laboratory Corporation of America, LabCorp and Ambry Genetics); PubMed 22216297 (cited by Women's Health and Genetics/Laboratory Corporation of America, LabCorp); PubMed 33471991 (cited by Women's Health and Genetics/Laboratory Corporation of America, LabCorp and Sema4); PubMed 28102005 (cited by Women's Health and Genetics/Laboratory Corporation of America, LabCorp); PubMed 29891727 (cited by Women's Health and Genetics/Laboratory Corporation of America, LabCorp); PubMed 35186721 (cited by Women's Health and Genetics/Laboratory Corporation of America, LabCorp); PubMed 34716202 (cited by Women's Health and Genetics/Laboratory Corporation of America, LabCorp).